The following is an entry in ClinVar:

ClinVar aggregate classification (germline): Uncertain significance (1 of 4 stars; one submission).

Submission:

GeneDx
Classification: Uncertain significance. Last evaluated: 2026-06-29. Review status: criteria provided, single submitter. Criteria: GeneDx Variant Classification Process June 2021. Collection method: clinical testing. Allele origin: germline.
Comment: In-frame deletion of 2 amino acid(s) and insertion of 1 different amino acid(s) in a non-repeat region; In silico analysis suggests that this variant does not alter protein structure/function; Has not been previously published as pathogenic or benign to our knowledge

NM_205768.3(ZBTB18):c.489_491del (p.Asp163_Leu164delinsGlu)

Gene: ZBTB18 (zinc finger and BTB domain containing 18; plus strand). Cytogenetic location: 1q44.
Variant type: Deletion.
Coding change: c.489_491del on transcript NM_205768.3 (MANE Select); coding-DNA positions 489 to 491, 3 bases deleted (TTT; older notation c.489_491delTTT).
Protein change: p.Asp163_Leu164delinsGlu.
Molecular consequence: inframe indel.
Genome position (GRCh38, 1-based): chr1:244,054,263-244,054,265, TTT deleted. VCF-style (leftmost placement, unchanged base first): chr1-244054262-ATTT-A. GRCh37 (hg19) VCF-style: chr1-244217564-ATTT-A.
Other names: c.462_464del, p.Asp154_Leu155delinsGlu (NM_001278196.2, NM_006352.5); c.489_491del, p.Asp163_Leu164delinsGlu (NM_001421566.1).
Identifiers: ClinVar variation 3906349 (VCV003906349.2).